The following is an entry in ClinVar:

ClinVar aggregate classification (germline): Likely benign (1 of 4 stars; one submission).

Allele frequency attached by ClinVar (database versions not stated): ExAC 0.00001; gnomAD exomes below 0.00001.

Submission:

GeneDx
Classification: Likely benign. Last evaluated: 2016-11-23. Review status: criteria provided, single submitter. Criteria: GeneDx Variant Classification (06012015). Collection method: clinical testing. Allele origin: germline. Affected: yes.
Comment: This variant is considered likely benign or benign based on one or more of the following criteria: it is a conservative change, it occurs at a poorly conserved position in the protein, it is predicted to be benign by multiple in silico algorithms, and/or has population frequency not consistent with disease.

NM_001303.4(COX10):c.-35A>G

Gene: COX10 (cytochrome c oxidase assembly factor heme A:farnesyltransferase COX10; plus strand). Cytogenetic location: 17p12.
Variant type: single nucleotide variant.
Coding change: c.-35A>G on transcript NM_001303.4 (MANE Select); 35 bases upstream of the start codon, A replaced by G.
Molecular consequence: 5 prime UTR variant.
Genome position (GRCh38, 1-based): chr17:14,069,571, A>G. VCF-style: chr17-14069571-A-G. GRCh37 (hg19) VCF-style: chr17-13972888-A-G.
Identifiers: ClinVar variation 391036 (VCV000391036.1), dbSNP rs748916374, ClinGen allele CA8402187.